The following is an entry in ClinVar:

NM_001287491.2(TET3):c.139_140dup (p.Gly48fs)

Gene: TET3 (tet methylcytosine dioxygenase 3; plus strand). Cytogenetic location: 2p13.1.
Variant type: Duplication.
Coding change: c.139_140dup on transcript NM_001287491.2 (MANE Select); coding-DNA positions 139 to 140, 2 bases duplicated (GG; older notation c.139_140dupGG).
Protein change: p.Gly48fs; shifts the reading frame from glycine 48.
Molecular consequence: frameshift variant.
Genome position (GRCh38, 1-based): chr2:73,986,542-73,986,543, GG duplicated; duplicating any 2 consecutive bases within chr2:73,986,539-73,986,543 gives the same sequence; the c. name uses the placement nearest the transcript's 3' end. VCF-style (leftmost placement, unchanged base first): chr2-73986538-A-AGG. GRCh37 (hg19) VCF-style: chr2-74213665-A-AGG.
Other names: short protein forms G48fs.
Identifiers: ClinVar variation 2663520 (VCV002663520.1), dbSNP rs2105057117, ClinGen allele CA2695200835.
Genomic context (GRCh38, chr2:73,986,538, plus strand): 5'-GATGGTAGGGAGCTTCCCGGGGTCTGGGCTCTCCATGGCTGGGAGTGAGTCCCAACTCCG[A>AGG]GGGGGTGGAGATGGTCGAAAGAAACGGAAACGGTGTGGTACTTGTGAGCCCTGCCGGCGG-3'

ClinVar aggregate classification (germline): Uncertain significance (1 of 4 stars; one submission).

Submission:

GeneDx
Classification: Uncertain significance. Last evaluated: 2023-04-20. Review status: criteria provided, single submitter. Criteria: GeneDx Variant Classification Process June 2021. Collection method: clinical testing. Allele origin: germline. Affected: yes.
Comment: Frameshift variant predicted to result in protein truncation or nonsense mediated decay in a gene for which loss of function is a known mechanism of disease; No data available from control populations to assess the frequency of this variant; Has not been previously published as pathogenic or benign to our knowledge